The following is an entry in ClinVar:

NM_002894.3(RBBP8):c.428+37T>C

Gene: RBBP8 (RB binding protein 8, endonuclease; plus strand). Cytogenetic location: 18q11.2.
Variant type: single nucleotide variant.
Coding change: c.428+37T>C on transcript NM_002894.3 (MANE Select); 37 bases into the intron after coding-DNA position 428, T replaced by C.
Molecular consequence: intron variant.
Genome position (GRCh38, 1-based): chr18:22,975,256, T>C. VCF-style: chr18-22975256-T-C. GRCh37 (hg19) VCF-style: chr18-20555219-T-C.
Other names: c.428+37T>C (NM_203292.2, NM_203291.2).
Identifiers: ClinVar variation 673936 (VCV000673936.4), dbSNP rs2336916, ClinGen allele CA8909812.

ClinVar aggregate classification (germline): Benign. Review status: criteria provided, multiple submitters, no conflicts (2 of 4 stars). 4 submissions from 3 submitters: Benign (4). Last evaluated 2021-11-07.

Conditions:
Jawad syndrome (JWDS). Also called: MICROCEPHALY WITH IMPAIRED INTELLECTUAL DEVELOPMENT AND DIGITAL ANOMALIES; KELLY SYNDROME. Identifiers: Orphanet 313795, MedGen C0796063, MONDO:0009622, OMIM 251255.
Seckel syndrome 2 (SCKL2). Also called: MICROCEPHALIC PRIMORDIAL DWARFISM 2; SECKEL-TYPE DWARFISM 2. Identifiers: Orphanet 808, MedGen C1847572, MONDO:0011715, OMIM 606744.

Allele frequency attached by ClinVar (database versions not stated): 1000 Genomes Project 30x 0.91490; 1000 Genomes Project 0.91573; TOPMed 0.93577; ESP Exome Variant Server 0.94143.
gnomAD v4.1: 1,564,673 of 1,608,632 alleles (97%); highest among the groups gnomAD compares: Non-Finnish European, 98%; 761,822 homozygotes.

Submissions (4):

Genome-Nilou Lab
Classification: Benign for Jawad syndrome. Last evaluated: 2021-11-07. Review status: criteria provided, single submitter. Criteria: ACMG Guidelines, 2015. Collection method: clinical testing. Allele origin: germline. Affected: no.

Genome-Nilou Lab
Classification: Benign for Seckel syndrome 2. Last evaluated: 2021-11-07. Review status: criteria provided, single submitter. Criteria: ACMG Guidelines, 2015. Collection method: clinical testing. Allele origin: germline. Affected: no.

GeneDx
Classification: Benign. Last evaluated: 2018-06-16. Review status: criteria provided, single submitter. Criteria: GeneDx Variant Classification (06012015). Collection method: clinical testing. Allele origin: germline. Affected: yes.
Comment: This variant is considered likely benign or benign based on one or more of the following criteria: it is a conservative change, it occurs at a poorly conserved position in the protein, it is predicted to be benign by multiple in silico algorithms, and/or has population frequency not consistent with disease.

Breakthrough Genomics
Classification: Benign. Review status: criteria provided, single submitter. Criteria: ACMG Guidelines, 2015. Collection method: not provided. Allele origin: germline. Inheritance: Autosomal recessive inheritance. Affected: yes.